The following is an entry in ClinVar:

ClinVar aggregate classification (germline): Benign. Review status: criteria provided, single submitter (1 of 4 stars). 2 submissions from 2 submitters: Benign (1). 1 of the submissions does not count toward it. Last evaluated 2019-12-31.

Conditions:
BMS1-related disorder. Also called: BMS1-related condition.

Allele frequency attached by ClinVar (database versions not stated): gnomAD 0.00030 and 0.00073; 1000 Genomes Project 0.00200; ExAC 0.00225; TOPMed 0.00034; gnomAD exomes 0.00105 and 0.00196; 1000 Genomes Project 30x 0.00250.
gnomAD v4.1: 1,641 of 1,595,692 alleles (0.1%); highest among the groups gnomAD compares: South Asian, 1.2%; 16 homozygotes.

Submissions (2):

Labcorp Genetics (formerly Invitae), Labcorp
Classification: Benign. Last evaluated: 2019-12-31. Review status: criteria provided, single submitter. Criteria: Invitae Variant Classification Sherloc (09022015). Collection method: clinical testing. Allele origin: germline.

PreventionGenetics, part of Exact Sciences
Classification: Benign for BMS1-related condition. Last evaluated: 2020-01-06. Review status: no assertion criteria provided. Collection method: clinical testing. Allele origin: germline. Not counted in ClinVar's aggregate classification.
Comment: This variant is classified as benign based on ACMG/AMP sequence variant interpretation guidelines (Richards et al. 2015 PMID: 25741868, with internal and published modifications).

NM_014753.4(BMS1):c.3388C>T (p.Arg1130Trp)

Gene: BMS1 (BMS1 ribosome biogenesis factor; plus strand). Cytogenetic location: 10q11.21.
Variant type: single nucleotide variant.
Coding change: c.3388C>T on transcript NM_014753.4 (MANE Select); coding-DNA position 3388, C replaced by T.
Protein change: p.Arg1130Trp; replaces arginine 1130 with tryptophan.
Molecular consequence: missense variant.
Genome position (GRCh38, 1-based): chr10:42,823,716, C>T. VCF-style: chr10-42823716-C-T. GRCh37 (hg19) VCF-style: chr10-43319164-C-T.
Other names: short protein forms R1130W.
Identifiers: ClinVar variation 721359 (VCV000721359.6), dbSNP rs138529489, ClinGen allele CA5476325.
Genomic context (GRCh38, chr10:42,823,716, plus strand): 5'-TATAACCCAGTAACATCTTTGTTGAAACCAGTGGGTGAGAAAGACACCTGGTCAGGAATG[C>T]GGACCACGGGCCAACTCAGGCTCGCCCATGGCGTCAGACTAAAGGCGAACAAGGACTCTC-3'
Protein context (NP_055568.3, residues 1120-1140): VGEKDTWSGM[Arg1130Trp]TTGQLRLAHG